The following is an entry in ClinVar:

ClinVar aggregate classification (germline): Uncertain significance. Review status: criteria provided, multiple submitters, no conflicts (2 of 4 stars). 2 submissions from 2 submitters: Uncertain significance (2). Last evaluated 2024-08-14.

Conditions:
Inborn genetic diseases. Identifiers: MedGen C0950123, MeSH D030342.

Allele frequency attached by ClinVar (database versions not stated): gnomAD 0.00001; gnomAD exomes 0.00003; ExAC 0.00005.
gnomAD v4.1: 41 of 1,614,000 alleles (0.0025%); highest among the groups gnomAD compares: South Asian, 0.044%; no homozygotes.

Submissions (2):

Ambry Genetics
Classification: Uncertain significance for Inborn genetic diseases. Last evaluated: 2024-08-14. Review status: criteria provided, single submitter. Criteria: Ambry Variant Classification Scheme 2023. Collection method: clinical testing. Allele origin: germline.

Labcorp Genetics (formerly Invitae), Labcorp
Classification: Uncertain significance. Last evaluated: 2022-03-11. Review status: criteria provided, single submitter. Criteria: Invitae Variant Classification Sherloc (09022015). Collection method: clinical testing. Allele origin: germline.
Comment: This sequence change replaces glycine, which is neutral and non-polar, with arginine, which is basic and polar, at codon 437 of the TRPM1 protein (p.Gly437Arg). This variant is present in population databases (rs762766216, gnomAD 0.04%). In summary, the available evidence is currently insufficient to determine the role of this variant in disease. Therefore, it has been classified as a Variant of Uncertain Significance. Algorithms developed to predict the effect of missense changes on protein structure and function are either unavailable or do not agree on the potential impact of this missense change (SIFT: "Deleterious"; PolyPhen-2: "Benign"; Align-GVGD: "Class C0"). This variant has not been reported in the literature in individuals affected with TRPM1-related conditions.

NM_001252024.2(TRPM1):c.1375G>A (p.Gly459Arg)

Gene: TRPM1 (transient receptor potential cation channel subfamily M member 1; minus strand). Cytogenetic location: 15q13.3.
Variant type: single nucleotide variant.
Coding change: c.1375G>A on transcript NM_001252024.2 (MANE Select); coding-DNA position 1375, G replaced by A.
Protein change: p.Gly459Arg; replaces glycine 459 with arginine.
Molecular consequence: missense variant.
Genome position (GRCh38, 1-based): chr15:31,050,471, C>T on the plus strand (G>A on the coding strand, the complement: TRPM1 is on the minus strand). VCF-style: chr15-31050471-C-T. GRCh37 (hg19) VCF-style: chr15-31342674-C-T.
Other names: c.1426G>A, p.Gly476Arg (NM_001252020.2); c.1309G>A, p.Gly437Arg (NM_002420.6); c.1309G>A (NM_002420.4); short protein forms G459R, G437R, G476R.
Identifiers: ClinVar variation 1982829 (VCV001982829.5), dbSNP rs762766216, ClinGen allele CA7452590.